The following is an entry in ClinVar:

NM_001048174.2(MUTYH):c.1475A>C (p.Lys492Thr)

Gene: MUTYH (mutY DNA glycosylase; minus strand). Cytogenetic location: 1p34.1.
Variant type: single nucleotide variant.
Coding change: c.1475A>C on transcript NM_001048174.2 (MANE Select); coding-DNA position 1475, A replaced by C.
Protein change: p.Lys492Thr; replaces lysine 492 with threonine.
Molecular consequence: missense variant. On other transcripts: non-coding transcript variant (7).
Genome position (GRCh38, 1-based): chr1:45,329,397, T>G on the plus strand (A>C on the coding strand, the complement: MUTYH is on the minus strand). VCF-style: chr1-45329397-T-G. GRCh37 (hg19) VCF-style: chr1-45795069-T-G.
Other names: c.1475A>C, p.Lys492Thr (NM_001048171.2, NM_001048173.2, NM_001293195.2 and 6 more transcripts); c.1478A>C, p.Lys493Thr (NM_001048172.2, NM_001407071.1, NM_001407078.1 and 1 more transcripts); c.1559A>C, p.Lys520Thr (NM_001128425.2); c.1520A>C, p.Lys507Thr (NM_001293190.2); c.1508A>C, p.Lys503Thr (NM_001293191.2, NM_001407069.1, NM_001407077.1); c.1199A>C, p.Lys400Thr (NM_001293192.2, NM_001293196.2, NM_001407091.1); c.1130A>C, p.Lys377Thr (NM_001350650.2, NM_001350651.2, NM_001407082.1); c.1391A>C, p.Lys464Thr (NM_001407075.1); and 5 more; short protein forms K499T, K506T, K400T, K478T, K492T, K503T, K517T, K520T.
Identifiers: ClinVar variation 4113359 (VCV004113359.1).
Genomic context (GRCh38, chr1:45,329,397, plus strand): 5'-TCAGTGGAGATGTGAGACCGAAAGAAATTATCCAGGACTTGCTGGCCCATGCGGGGCTTT[T>G]TCCGACTGCACGGAGAGGACACCTGGGACCTTTTGGAACCCTGTGAAAAAATGGAAGGAG-3'
Protein context (NP_001041639.1, residues 482-502): RSQVSSPCSR[Lys492Thr]KPRMGQQVLD

ClinVar aggregate classification (germline): Uncertain significance (1 of 4 stars; one submission).

Conditions:
Hereditary cancer-predisposing syndrome. Also called: Tumor predisposition; Neoplastic Syndromes, Hereditary; Hereditary neoplastic syndrome; Hereditary Cancer Syndrome. Identifiers: Orphanet 140162, MedGen C0027672, MeSH D009386, MONDO:0015356.

Submission:

Ambry Genetics
Classification: Uncertain significance for Hereditary cancer-predisposing syndrome. Last evaluated: 2025-08-27. Review status: criteria provided, single submitter. Criteria: Ambry Variant Classification Scheme 2023. Collection method: clinical testing. Allele origin: germline.
Comment: The p.K520T variant (also known as c.1559A>C), located in coding exon 16 of the MUTYH gene, results from an A to C substitution at nucleotide position 1559. The lysine at codon 520 is replaced by threonine, an amino acid with similar properties. This amino acid position is conserved. In addition, this alteration is predicted to be tolerated by in silico analysis. Based on the available evidence, the clinical significance of this variant remains unclear.